The following is an entry in ClinVar:

ClinVar aggregate classification (germline): Pathogenic (1 of 4 stars; one submission).

Conditions:
Polycystic kidney disease, adult type (PKD1). Also called: Polycystic Kidney Disease 1, Autosomal Dominant; POLYCYSTIC KIDNEY DISEASE, ADULT, TYPE I; Polycystic kidney disease 1; Polycystic kidney disease 1, severe; POLYCYSTIC KIDNEY DISEASE 1 WITH OR WITHOUT POLYCYSTIC LIVER DISEASE; Polycystic Kidney, Autosomal Dominant. Identifiers: MedGen C3149841, MONDO:0008263, OMIM 173900.

Submission:

MVZ Medizinische Genetik Mainz
Classification: Pathogenic for Polycystic kidney disease, adult type. Last evaluated: 2026-05-19. Review status: criteria provided, single submitter. Criteria: UK Practice Guidelines For Variant Classification V4 01 2020. Collection method: clinical testing. Allele origin: germline. Inheritance: Autosomal dominant inheritance. Affected: yes. Observed: 1 variant allele.
Comment: ACMG Criteria: PVS1,PM2_SUP,PP4

NM_001009944.3(PKD1):c.3429del (p.Val1144fs)

Gene: PKD1 (polycystin 1, transient receptor potential channel interacting; minus strand). Cytogenetic location: 16p13.3.
Variant type: Deletion.
Coding change: c.3429del on transcript NM_001009944.3 (MANE Select); coding-DNA position 3429, one base deleted (C; older notation c.3429delC).
Protein change: p.Val1144fs; shifts the reading frame from valine 1144.
Molecular consequence: frameshift variant.
Genome position (GRCh38, 1-based): chr16:2,111,738, G deleted on the plus strand (C on the coding strand, the reverse complement: PKD1 is on the minus strand); the first of 3 consecutive G bases (chr16:2,111,738-2,111,740); deleting any one gives the same sequence. VCF-style (leftmost placement, unchanged base first): chr16-2111737-CG-C. GRCh37 (hg19) VCF-style: chr16-2161738-CG-C.
Other names: c.3429del, p.Val1144fs (NM_000296.4); short protein forms V1144fs.
Identifiers: ClinVar variation 5038190 (VCV005038190.1).